The following is an entry in ClinVar:

NM_000083.3(CLCN1):c.1261C>T (p.Arg421Cys)

Gene: CLCN1 (chloride voltage-gated channel 1; plus strand). Cytogenetic location: 7q34.
Variant type: single nucleotide variant.
Coding change: c.1261C>T on transcript NM_000083.3 (MANE Select); coding-DNA position 1261, C replaced by T.
Protein change: p.Arg421Cys; replaces arginine 421 with cysteine.
Molecular consequence: missense variant.
Genome position (GRCh38, 1-based): chr7:143,332,733, C>T. VCF-style: chr7-143332733-C-T. GRCh37 (hg19) VCF-style: chr7-143029826-C-T.
Other names: short protein forms R421C.
Identifiers: ClinVar variation 447047 (VCV000447047.10), dbSNP rs756981034, ClinGen allele CA4537307.

ClinVar aggregate classification (germline): Pathogenic/Likely pathogenic. Review status: criteria provided, multiple submitters, no conflicts (2 of 4 stars). 5 submissions from 5 submitters: Pathogenic (4); Likely pathogenic (1). Last evaluated 2026-01-28.

Conditions:
CLCN1-related disorder. Also called: CLCN1-related condition.
Congenital myotonia, autosomal dominant form (THD). Also called: THOMSEN DISEASE; Myotonia congenita autosomal dominant. Identifiers: Orphanet 614, MedGen C2936781, MONDO:0008055, OMIM 160800.
Congenital myotonia, autosomal recessive form. Also called: Becker Generalized Myotonia; myotonia congenita, autosomal recessive; BECKER DISEASE. Identifiers: Orphanet 614, MedGen C0751360, MONDO:0009715, OMIM 255700.

Allele frequency attached by ClinVar (database versions not stated): ExAC 0.00001; gnomAD 0.00001; gnomAD exomes 0.00001 and 0.00002; TOPMed 0.00002.
gnomAD v4.1: 18 of 1,613,928 alleles (0.0011%); highest among the groups gnomAD compares: East Asian, 0.0067%; no homozygotes.

Submissions (5):

Labcorp Genetics (formerly Invitae), Labcorp
Classification: Pathogenic for Congenital myotonia, autosomal recessive form; Congenital myotonia, autosomal dominant form. Last evaluated: 2026-01-28. Review status: criteria provided, single submitter. Criteria: Invitae Variant Classification Sherloc (09022015). Collection method: clinical testing. Allele origin: germline.
Comment: This sequence change replaces arginine, which is basic and polar, with cysteine, which is neutral and slightly polar, at codon 421 of the CLCN1 protein (p.Arg421Cys). This variant is present in population databases (rs756981034, gnomAD 0.02%). This missense change has been observed in individuals with autosomal recessive myotonia congenita (PMID: 22094069, 23113340, 23739125). This variant has been reported in individual(s) with autosomal dominant myotonia congenita (PMID: 23113340); however, the role of the variant in this condition is currently unclear. ClinVar contains an entry for this variant (Variation ID: 447047). Invitae Evidence Modeling of protein sequence and biophysical properties (such as structural, functional, and spatial information, amino acid conservation, physicochemical variation, residue mobility, and thermodynamic stability) indicates that this missense variant is expected to disrupt CLCN1 protein function with a positive predictive value of 80%. Experimental studies have shown that this missense change affects CLCN1 function (PMID: 22094069). For these reasons, this variant has been classified as Pathogenic.

Women's Health and Genetics/Laboratory Corporation of America, LabCorp
Classification: Pathogenic for Congenital myotonia, autosomal recessive form. Last evaluated: 2023-08-03. Review status: criteria provided, single submitter. Criteria: LabCorp Variant Classification Summary - May 2015. Collection method: clinical testing. Allele origin: germline.
Comment: Variant summary: CLCN1 c.1261C>T (p.Arg421Cys) results in a non-conservative amino acid change in the encoded protein sequence. Four of four in-silico tools predict a damaging effect of the variant on protein function. The variant allele was found at a frequency of 2.4e-05 in 251462 control chromosomes (gnomAD). c.1261C>T has been reported in the literature in multiple compound heterozygous individuals affected with Myotonia congenital (Mazon_2012, Brugnoni_2013, Suetterlin_2022). These data indicate that the variant is very likely to be associated with disease. At least one in vitro study reports this variant results in a reduction of the wild-type activity (Mazon_2012). The following publications have been ascertained in the context of this evaluation (PMID: 23739125, 22094069, 34529042). Three submitters have cited clinical-significance assessments for this variant to ClinVar after 2014. All submitters classified the variant as pathogenic (n=2) and likely pathogenic (n=1). Based on the evidence outlined above, the variant was classified as pathogenic.

GeneDx
Classification: Pathogenic. Last evaluated: 2022-06-22. Review status: criteria provided, single submitter. Criteria: GeneDx Variant Classification Process June 2021. Collection method: clinical testing. Allele origin: germline. Affected: yes.
Comment: Reported in association with CLCN1-related myotonia congenita (Ivanova et al., 2012; Morrow et al., 2013); Not observed at significant frequency in large population cohorts (gnomAD); In silico analysis supports that this missense variant has a deleterious effect on protein structure/function; Published functional studies demonstrate a damaging effect on channel current (Mazon et al., 2012; Suetterlin et al., 2021); This variant is associated with the following publications: (PMID: 31589614, 34529042, 23113340, 22094069, 23739125, 24349310, 23810313)

Blueprint Genetics
Classification: Pathogenic for CLCN1-related disorders. Last evaluated: 2022-05-18. Review status: criteria provided, single submitter. Criteria: ACMG Guidelines, 2015. Collection method: clinical testing. Allele origin: germline. Affected: yes. Observed: 3 variant alleles.

Athena Diagnostics
Classification: Likely pathogenic. Last evaluated: 2017-03-23. Review status: criteria provided, single submitter. Criteria: Athena Diagnostics Criteria. Collection method: clinical testing. Allele origin: germline.

Literature cited by the submitters: PubMed 22094069 (cited by 3 submitters); PubMed 23113340 (cited by Labcorp Genetics (formerly Invitae), Labcorp); PubMed 23739125 (cited by 3 submitters); PubMed 34529042 (cited by Women's Health and Genetics/Laboratory Corporation of America, LabCorp); PubMed 23810313 (cited by Athena Diagnostics); PubMed 24349310 (cited by Athena Diagnostics).